The following is an entry in ClinVar:

ClinVar aggregate classification (germline): Likely benign. Review status: criteria provided, multiple submitters, no conflicts (2 of 4 stars). 6 submissions from 6 submitters: Likely benign (6). Last evaluated 2026-08-01.

Conditions:
Developmental and epileptic encephalopathy, 50 (DEE50). Also called: Epileptic encephalopathy, early infantile, 50. Identifiers: Orphanet 448010, MedGen C4225320, MONDO:0014647, OMIM 616457.

Allele frequency attached by ClinVar (database versions not stated): 1000 Genomes Project 30x 0.00078; 1000 Genomes Project 0.00080; TOPMed 0.00107; gnomAD 0.00134 and 0.00138; ESP Exome Variant Server 0.00200.
gnomAD v4.1: 2,582 of 1,597,026 alleles (0.16%); highest among the groups gnomAD compares: Non-Finnish European, 0.19%; 6 homozygotes.

Submissions (12):

CeGaT Center for Human Genetics Tuebingen
Classification: Likely benign. Last evaluated: 2026-08-01. Review status: criteria provided, single submitter. Criteria: CeGaT Center For Human Genetics Tuebingen Variant Classification Criteria Version 2. Collection method: clinical testing. Allele origin: germline. Affected: yes. Observed: 15 variant alleles.
Comment: CAD: BP4

Labcorp Genetics (formerly Invitae), Labcorp
Classification: Likely benign. Last evaluated: 2026-02-01. Review status: criteria provided, single submitter. Criteria: Invitae Variant Classification Sherloc (09022015). Collection method: clinical testing. Allele origin: germline.

Mayo Clinic Laboratories, Mayo Clinic
Classification: Likely benign. Last evaluated: 2025-05-09. Review status: criteria provided, single submitter. Criteria: ACMG Guidelines, 2015. Collection method: clinical testing. Allele origin: germline. Observed: 1 variant allele.
Comment: BS2, BP4, BP7

Women's Health and Genetics/Laboratory Corporation of America, LabCorp
Classification: Likely benign. Last evaluated: 2024-12-26. Review status: criteria provided, single submitter. Criteria: LabCorp Variant Classification Summary - May 2015. Collection method: clinical testing. Allele origin: germline.
Comment: Variant summary: CAD c.83-3C>T alters a conserved nucleotide located close to a canonical splice site and therefore could affect mRNA splicing, leading to a significantly altered protein sequence. Consensus agreement among computation tools predict no significant impact on normal splicing. However, these predictions have yet to be confirmed by functional studies. The variant allele was found at a frequency of 0.0019 in 233544 control chromosomes. The observed variant frequency is approximately 1.7-fold of the estimated maximal expected allele frequency for a pathogenic variant in CAD causing Early Infantile Epileptic Encephalopathy, 50 phenotype (0.0011). To our knowledge, no occurrence of c.83-3C>T in individuals affected with Early Infantile Epileptic Encephalopathy, 50 and no experimental evidence demonstrating its impact on protein function have been reported. ClinVar contains an entry for this variant (Variation ID: 720148). Based on the evidence outlined above, the variant was classified as likely benign.

Blueprint Genetics
Classification: Likely benign. Last evaluated: 2024-11-22. Review status: criteria provided, single submitter. Criteria: ACMG Guidelines, 2015. Collection method: clinical testing. Allele origin: germline.

ARUP Laboratories, Molecular Genetics and Genomics, ARUP Laboratories
Classification: Likely benign for Developmental and epileptic encephalopathy, 50. Last evaluated: 2023-10-06. Review status: criteria provided, single submitter. Criteria: ARUP Molecular Germline Variant Investigation Process 2024. Collection method: clinical testing. Allele origin: germline.

Dr. Peter K. Rogan Lab, Western University
No classification provided (evidence only). Condition: Melanoma. Review status: no classification provided. Collection method: in vitro. Allele origin: not applicable. Functional consequence: skipped exon. Not counted in ClinVar's aggregate classification.

Dr. Peter K. Rogan Lab, Western University
No classification provided (evidence only). Condition: Familial cancer of breast. Review status: no classification provided. Collection method: in vitro. Allele origin: not applicable. Functional consequence: retained intron. Not counted in ClinVar's aggregate classification.

Dr. Peter K. Rogan Lab, Western University
No classification provided (evidence only). Condition: Cervical cancer. Review status: no classification provided. Collection method: in vitro. Allele origin: not applicable. Functional consequence: retained intron. Not counted in ClinVar's aggregate classification.

Dr. Peter K. Rogan Lab, Western University
No classification provided (evidence only). Condition: Ovarian serous cystadenocarcinoma. Review status: no classification provided. Collection method: in vitro. Allele origin: not applicable. Functional consequence: retained intron. Not counted in ClinVar's aggregate classification.

Dr. Peter K. Rogan Lab, Western University
No classification provided (evidence only). Condition: Gastric cancer. Review status: no classification provided. Collection method: in vitro. Allele origin: not applicable. Functional consequence: retained intron. Not counted in ClinVar's aggregate classification.

Dr. Peter K. Rogan Lab, Western University
No classification provided (evidence only). Condition: Gastric cancer. Review status: no classification provided. Collection method: in vitro. Allele origin: not applicable. Functional consequence: retained intron. Not counted in ClinVar's aggregate classification.

NM_004341.5(CAD):c.83-3C>T

Gene: CAD (carbamoyl-phosphate synthetase 2, aspartate transcarbamylase, and dihydroorotase; plus strand). Cytogenetic location: 2p23.3.
Variant type: single nucleotide variant.
Coding change: c.83-3C>T on transcript NM_004341.5 (MANE Select); 3 bases into the intron before coding-DNA position 83, C replaced by T.
Molecular consequence: intron variant.
Genome position (GRCh38, 1-based): chr2:27,217,874, C>T. VCF-style: chr2-27217874-C-T. GRCh37 (hg19) VCF-style: chr2-27440742-C-T.
Other names: p.?; c.83-3C>T (NM_001306079.2).
Identifiers: ClinVar variation 720148 (VCV000720148.52), dbSNP rs151119882, ClinGen allele CA1572319.